The following is an entry in ClinVar:

NM_001367805.3(KIF23):c.379G>A (p.Gly127Arg)

Gene: KIF23 (kinesin family member 23; plus strand). Cytogenetic location: 15q23.
Variant type: single nucleotide variant.
Coding change: c.379G>A on transcript NM_001367805.3 (MANE Select); coding-DNA position 379, G replaced by A.
Protein change: p.Gly127Arg; replaces glycine 127 with arginine.
Molecular consequence: missense variant. On other transcripts: non-coding transcript variant (2), intron variant (1).
Genome position (GRCh38, 1-based): chr15:69,422,054, G>A. VCF-style: chr15-69422054-G-A. GRCh37 (hg19) VCF-style: chr15-69714393-G-A.
Other names: c.379G>A, p.Gly127Arg (NM_001367804.2, NM_004856.7, NM_138555.4); c.124-272G>A (NM_001281301.2); short protein forms G127R.
Identifiers: ClinVar variation 2999296 (VCV002999296.4), dbSNP rs759354494, ClinGen allele CA7634889.

ClinVar aggregate classification (germline): Uncertain significance. Review status: criteria provided, multiple submitters, no conflicts (2 of 4 stars). 2 submissions from 2 submitters: Uncertain significance (2). Last evaluated 2025-12-30.

Allele frequency attached by ClinVar (database versions not stated): ExAC 0.00004.
gnomAD v4.1: 5 of 1,614,102 alleles (0.00031%); highest among the groups gnomAD compares: Admixed American, 0.0083%; no homozygotes.

Submissions (2):

Labcorp Genetics (formerly Invitae), Labcorp
Classification: Uncertain significance. Last evaluated: 2025-12-30. Review status: criteria provided, single submitter. Criteria: Invitae Variant Classification Sherloc (09022015). Collection method: clinical testing. Allele origin: germline.
Comment: This sequence change replaces glycine, which is neutral and non-polar, with arginine, which is basic and polar, at codon 127 of the KIF23 protein (p.Gly127Arg). This variant is present in population databases (rs759354494, gnomAD 0.01%). This variant has not been reported in the literature in individuals affected with KIF23-related conditions. ClinVar contains an entry for this variant (Variation ID: 2999296). Invitae Evidence Modeling of protein sequence and biophysical properties (such as structural, functional, and spatial information, amino acid conservation, physicochemical variation, residue mobility, and thermodynamic stability) indicates that this missense variant is not expected to disrupt KIF23 protein function with a negative predictive value of 80%. In summary, the available evidence is currently insufficient to determine the role of this variant in disease. Therefore, it has been classified as a Variant of Uncertain Significance.

Revvity Omics, Revvity
Classification: Uncertain significance. Last evaluated: 2024-05-06. Review status: criteria provided, single submitter. Criteria: ACMG Guidelines, 2015. Collection method: clinical testing. Allele origin: germline.